The following is an entry in ClinVar:

NM_001853.4(COL9A3):c.607G>A (p.Glu203Lys)

Gene: COL9A3 (collagen type IX alpha 3 chain; plus strand). Cytogenetic location: 20q13.33.
Variant type: single nucleotide variant.
Coding change: c.607G>A on transcript NM_001853.4 (MANE Select); coding-DNA position 607, G replaced by A.
Protein change: p.Glu203Lys; replaces glutamic acid 203 with lysine.
Molecular consequence: missense variant.
Genome position (GRCh38, 1-based): chr20:62,824,998, G>A. VCF-style: chr20-62824998-G-A. GRCh37 (hg19) VCF-style: chr20-61456350-G-A.
Other names: short protein forms E203K.
Identifiers: ClinVar variation 2784355 (VCV002784355.3), dbSNP rs769468388, ClinGen allele CA9949379.
Genomic context (GRCh38, chr20:62,824,998, plus strand): 5'-GTGGGGCAGTGACCCCACATTTGCTTGCAGGGACCCACTGGCTACAAAGGCGAGCAGGGG[G>A]AAGTCGGCAAGGACGGCGAGAAGGTGAAGCTGCCGCACAGCAGCTGGGGAGGAGCTGGGG-3'
Protein context (NP_001844.3, residues 193-213): GPTGYKGEQG[Glu203Lys]VGKDGEKGDP

ClinVar aggregate classification (germline): Uncertain significance (1 of 4 stars; one submission).

Allele frequency attached by ClinVar (database versions not stated): ExAC 0.00001.
gnomAD v4.1: 4 of 1,609,908 alleles (0.00025%); highest among the groups gnomAD compares: Admixed American, 0.0017%; no homozygotes.

Submission:

Labcorp Genetics (formerly Invitae), Labcorp
Classification: Uncertain significance. Last evaluated: 2025-12-27. Review status: criteria provided, single submitter. Criteria: Invitae Variant Classification Sherloc (09022015). Collection method: clinical testing. Allele origin: germline.
Comment: This sequence change replaces glutamic acid, which is acidic and polar, with lysine, which is basic and polar, at codon 203 of the COL9A3 protein (p.Glu203Lys). This variant is present in population databases (rs769468388, gnomAD 0.002%). This variant has not been reported in the literature in individuals affected with COL9A3-related conditions. ClinVar contains an entry for this variant (Variation ID: 2784355). Invitae Evidence Modeling of protein sequence and biophysical properties (such as structural, functional, and spatial information, amino acid conservation, physicochemical variation, residue mobility, and thermodynamic stability) indicates that this missense variant is not expected to disrupt COL9A3 protein function with a negative predictive value of 95%. In summary, the available evidence is currently insufficient to determine the role of this variant in disease. Therefore, it has been classified as a Variant of Uncertain Significance.